The following is an entry in ClinVar:

ClinVar aggregate classification (germline): Benign. Review status: criteria provided, multiple submitters, no conflicts (2 of 4 stars). 5 submissions from 5 submitters: Benign (4). 1 of the submissions does not count toward it. Last evaluated 2026-01-17.

Conditions:
MPDU1-related disorder. Also called: MPDU1-related condition.
MPDU1-congenital disorder of glycosylation. Also called: CONGENITAL DISORDER OF GLYCOSYLATION, TYPE If; CDG If; MPDU1-CDG. Identifiers: Orphanet 79323, MedGen C1836669, MONDO:0012211, OMIM 609180.

Allele frequency attached by ClinVar (database versions not stated): gnomAD exomes 0.00302 and 0.00791; ExAC 0.00964; gnomAD 0.03076 and 0.03297; TOPMed 0.03473; 1000 Genomes Project 0.03474; ESP Exome Variant Server 0.03698; 1000 Genomes Project 30x 0.03779.
gnomAD v4.1: 9,219 of 1,613,490 alleles (0.57%); highest among the groups gnomAD compares: African/African-American, 11%; 431 homozygotes.

Submissions (14):

Labcorp Genetics (formerly Invitae), Labcorp
Classification: Benign for MPDU1-congenital disorder of glycosylation. Last evaluated: 2026-01-17. Review status: criteria provided, single submitter. Criteria: Invitae Variant Classification Sherloc (09022015). Collection method: clinical testing. Allele origin: germline.

Illumina Laboratory Services, Illumina
Classification: Benign for MPDU1-congenital disorder of glycosylation. Last evaluated: 2018-01-13. Review status: criteria provided, single submitter. Criteria: ICSL Variant Classification Criteria 13 December 2019. Collection method: clinical testing. Allele origin: germline.
Comment: This variant was observed in the ICSL laboratory as part of a predisposition screen in an ostensibly healthy population. It had not been previously curated by ICSL or reported in the Human Gene Mutation Database (HGMD: prior to June 1st, 2018), and was therefore a candidate for classification through an automated scoring system. Utilizing variant allele frequency, disease prevalence and penetrance estimates, and inheritance mode, an automated score was calculated to assess if this variant is too frequent to cause the disease. Based on the score and internal cut-off values, a variant classified as benign is not then subjected to further curation. The score for this variant resulted in a classification of benign for this disease.

GeneDx
Classification: Benign. Last evaluated: 2015-12-10. Review status: criteria provided, single submitter. Criteria: GeneDx Variant Classification (06012015). Collection method: clinical testing. Allele origin: germline. Affected: yes.
Comment: This variant is considered likely benign or benign based on one or more of the following criteria: it is a conservative change, it occurs at a poorly conserved position in the protein, it is predicted to be benign by multiple in silico algorithms, and/or has population frequency not consistent with disease.

Breakthrough Genomics
Classification: Benign. Review status: criteria provided, single submitter. Criteria: ACMG Guidelines, 2015. Collection method: not provided. Allele origin: germline. Inheritance: Autosomal recessive inheritance. Affected: yes.

PreventionGenetics, part of Exact Sciences
Classification: Benign for MPDU1-related condition. Last evaluated: 2020-01-24. Review status: no assertion criteria provided. Collection method: clinical testing. Allele origin: germline. Not counted in ClinVar's aggregate classification.
Comment: This variant is classified as benign based on ACMG/AMP sequence variant interpretation guidelines (Richards et al. 2015 PMID: 25741868, with internal and published modifications).

Dr. Peter K. Rogan Lab, Western University
No classification provided (evidence only). Condition: Clear cell carcinoma of kidney. Review status: no classification provided. Collection method: in vitro. Allele origin: not applicable. Functional consequence: retained intron. Not counted in ClinVar's aggregate classification.

Dr. Peter K. Rogan Lab, Western University
No classification provided (evidence only). Condition: Cervical cancer. Review status: no classification provided. Collection method: in vitro. Allele origin: not applicable. Functional consequence: retained intron. Not counted in ClinVar's aggregate classification.

Dr. Peter K. Rogan Lab, Western University
No classification provided (evidence only). Condition: Cervical cancer. Review status: no classification provided. Collection method: in vitro. Allele origin: not applicable. Functional consequence: retained intron. Not counted in ClinVar's aggregate classification.

Dr. Peter K. Rogan Lab, Western University
No classification provided (evidence only). Condition: Ovarian serous cystadenocarcinoma. Review status: no classification provided. Collection method: in vitro. Allele origin: not applicable. Functional consequence: retained intron. Not counted in ClinVar's aggregate classification.

Dr. Peter K. Rogan Lab, Western University
No classification provided (evidence only). Condition: Ovarian serous cystadenocarcinoma. Review status: no classification provided. Collection method: in vitro. Allele origin: not applicable. Functional consequence: retained intron. Not counted in ClinVar's aggregate classification.

Dr. Peter K. Rogan Lab, Western University
No classification provided (evidence only). Condition: Ovarian serous cystadenocarcinoma. Review status: no classification provided. Collection method: in vitro. Allele origin: not applicable. Functional consequence: retained intron. Not counted in ClinVar's aggregate classification.

Dr. Peter K. Rogan Lab, Western University
No classification provided (evidence only). Condition: Ovarian serous cystadenocarcinoma. Review status: no classification provided. Collection method: in vitro. Allele origin: not applicable. Functional consequence: retained intron. Not counted in ClinVar's aggregate classification.

Dr. Peter K. Rogan Lab, Western University
No classification provided (evidence only). Condition: Ovarian serous cystadenocarcinoma. Review status: no classification provided. Collection method: in vitro. Allele origin: not applicable. Functional consequence: retained intron. Not counted in ClinVar's aggregate classification.

Dr. Peter K. Rogan Lab, Western University
No classification provided (evidence only). Condition: Gastric cancer. Review status: no classification provided. Collection method: in vitro. Allele origin: not applicable. Functional consequence: retained intron. Not counted in ClinVar's aggregate classification.

NM_004870.4(MPDU1):c.673G>A (p.Gly225Ser)

Gene: MPDU1 (mannose-P-dolichol utilization defect 1; plus strand). Cytogenetic location: 17p13.1.
Variant type: single nucleotide variant.
Coding change: c.673G>A on transcript NM_004870.4 (MANE Select); coding-DNA position 673, G replaced by A.
Protein change: p.Gly225Ser; replaces glycine 225 with serine.
Molecular consequence: missense variant. On other transcripts: 3 prime UTR variant (1), non-coding transcript variant (1).
Genome position (GRCh38, 1-based): chr17:7,587,480, G>A. VCF-style: chr17-7587480-G-A. GRCh37 (hg19) VCF-style: chr17-7490798-G-A.
Other names: c.*36G>A (NM_001330073.1); short protein forms G225S.
Identifiers: ClinVar variation 325520 (VCV000325520.19), dbSNP rs16956808, ClinGen allele CA8353038.
Genomic context (GRCh38, chr17:7,587,480, plus strand): 5'-AACCAGGAAACCGGAGATCCCCTGATGGCTGGGACCTTTGTGGTCTCCTCTCTCTGCAAC[G>A]GCCTCATCGCCGCCCAGCTGCTCTTCTACTGGAATGCAAAGCCTCCCCACAAGCAGAAAA-3'
Protein context (NP_004861.2, residues 215-235): GTFVVSSLCN[Gly225Ser]LIAAQLLFYW